The following is an entry in ClinVar:

ClinVar aggregate classification (germline): Uncertain significance (1 of 4 stars; one submission).

Conditions:
Muscular dystrophy-dystroglycanopathy (congenital without impaired intellectual development), type B, 4. Also called: MUSCULAR DYSTROPHY, CONGENITAL, FKTN-RELATED; Muscular dystrophy-dystroglycanopathy (congenital without intellectual disability), type B4. Identifiers: MedGen C2751052, MONDO:0013156, OMIM 613152.
Muscular dystrophy-dystroglycanopathy (congenital with brain and eye anomalies), type A, 4 (MDDGA4). Also called: Muscular dystrophy, congenital progressive, with mental retardation; Muscular dystrophy, congenital, with central nervous system involvement; Cerebromuscular dystrophy, Fukuyama type; Fukuyama congenital muscular dystrophy; WALKER-WARBURG SYNDROME OR MUSCLE-EYE-BRAIN DISEASE, FKTN-RELATED; Congenital muscular dystrophy-dystroglycanopathy with brain and eye anomalies, type A4. Identifiers: Orphanet 272, Orphanet 588, Orphanet 899, MedGen C0410174, MONDO:0009678, OMIM 253800.
Dilated cardiomyopathy 1X (CMD1X). Also called: FKTN-Related Dilated Cardiomyopathy; CARDIOMYOPATHY, DILATED, WITH MILD OR NO PROXIMAL MUSCLE WEAKNESS. Identifiers: Orphanet 154, MedGen C1969024, MONDO:0012704, OMIM 611615.
Autosomal recessive limb-girdle muscular dystrophy type 2M. Also called: MUSCULAR DYSTROPHY-DYSTROGLYCANOPATHY (LIMB-GIRDLE), TYPE C, 4; MUSCULAR DYSTROPHY, LIMB-GIRDLE, TYPE 2M. Identifiers: Orphanet 206554, MedGen C1969040, MONDO:0012699, OMIM 611588.

Submission:

Juno Genomics, Hangzhou Juno Genomics, Inc
Classification: Uncertain significance for Muscular dystrophy-dystroglycanopathy (congenital without impaired intellectual development), type B, 4; Dilated cardiomyopathy 1X; Muscular dystrophy-dystroglycanopathy (congenital with brain and eye anomalies), type A, 4; Autosomal recessive limb-girdle muscular dystrophy type 2M. Review status: criteria provided, single submitter. Criteria: ACMG Guidelines, 2015. Collection method: clinical testing. Allele origin: germline.
Comment: Absent from controls (or at extremely low frequency if recessive) in Genome Aggregation Database.;Multiple lines of computational evidence support a deleterious effect on the gene or gene product.

NM_001079802.2(FKTN):c.734C>G (p.Ser245Cys)

Gene: FKTN (fukutin; plus strand). Cytogenetic location: 9q31.2.
Variant type: single nucleotide variant.
Coding change: c.734C>G on transcript NM_001079802.2 (MANE Select); coding-DNA position 734, C replaced by G.
Protein change: p.Ser245Cys; replaces serine 245 with cysteine.
Molecular consequence: missense variant. On other transcripts: non-coding transcript variant (2).
Genome position (GRCh38, 1-based): chr9:105,607,905, C>G. VCF-style: chr9-105607905-C-G. GRCh37 (hg19) VCF-style: chr9-108370186-C-G.
Other names: c.734C>G, p.Ser245Cys (NM_001198963.2, NM_001351496.2, NM_001351498.2 and 1 more transcripts); c.665C>G, p.Ser222Cys (NM_001351497.2); c.338C>G, p.Ser113Cys (NM_001351499.2, NM_001351500.2, NM_001351501.2 and 1 more transcripts); short protein forms S113C, S222C, S245C.
Identifiers: ClinVar variation 5007369 (VCV005007369.2).